The following is an entry in ClinVar:

ClinVar aggregate classification (germline): Likely pathogenic (1 of 4 stars; one submission).

Allele frequency attached by ClinVar (database versions not stated): gnomAD 0.00001; TOPMed 0.00001.
gnomAD v4.1: 1 of 1,613,952 alleles (0.000062%); highest among the groups gnomAD compares: Admixed American, 0.0017%; no homozygotes.

Submission:

Labcorp Genetics (formerly Invitae), Labcorp
Classification: Likely pathogenic. Last evaluated: 2025-11-19. Review status: criteria provided, single submitter. Criteria: Invitae Variant Classification Sherloc (09022015). Collection method: clinical testing. Allele origin: germline.
Comment: This sequence change affects an acceptor splice site in intron 6 of the C8B gene. It is expected to disrupt RNA splicing. Variants that disrupt the donor or acceptor splice site typically lead to a loss of protein function (PMID: 16199547), and loss-of-function variants in C8B are known to be pathogenic (PMID: 7594510). This variant is not present in population databases (gnomAD no frequency). This variant has not been reported in the literature in individuals affected with C8B-related conditions. ClinVar contains an entry for this variant (Variation ID: 2876823). Algorithms developed to predict the effect of sequence changes on RNA splicing suggest that this variant may disrupt the consensus splice site. In summary, the currently available evidence indicates that the variant is pathogenic, but additional data are needed to prove that conclusively. Therefore, this variant has been classified as Likely Pathogenic.

Literature cited by the submitters: PubMed 16199547; PubMed 7594510.

NM_000066.4(C8B):c.865-1G>C

Gene: C8B (complement C8 beta chain; minus strand). Cytogenetic location: 1p32.2.
Variant type: single nucleotide variant.
Coding change: c.865-1G>C on transcript NM_000066.4 (MANE Select); the canonical splice acceptor site of the intron before coding-DNA position 865, G replaced by C.
Molecular consequence: splice acceptor variant.
Genome position (GRCh38, 1-based): chr1:56,946,062, C>G on the plus strand (G>C on the coding strand, the complement: C8B is on the minus strand). VCF-style: chr1-56946062-C-G. GRCh37 (hg19) VCF-style: chr1-57411735-C-G.
Other names: c.679-1G>C (NM_001278544.2); c.709-1G>C (NM_001278543.2).
Identifiers: ClinVar variation 2876823 (VCV002876823.3), dbSNP rs1644937659, ClinGen allele CA340528958.